The following is an entry in ClinVar:

ClinVar aggregate classification (germline): Uncertain significance. Review status: criteria provided, multiple submitters, no conflicts (2 of 4 stars). 2 submissions from 2 submitters: Uncertain significance (2). Last evaluated 2025-03-26.

Conditions:
Imerslund-Grasbeck syndrome type 1 (IGS1). Also called: MEGALOBLASTIC ANEMIA, 1; Megaloblastic anemia 1, Finnish type; Imerslund-Gräsbeck syndrome 1. Identifiers: MedGen C4016819, MONDO:0100156, OMIM 261100.
Proteinuria, chronic benign. Identifiers: MedGen C5394384, MONDO:0030042, OMIM 618884.
Imerslund-Grasbeck syndrome. Also called: ENTEROCYTE COBALAMIN MALABSORPTION; ENTEROCYTE INTRINSIC FACTOR RECEPTOR, DEFECT OF; PERNICIOUS ANEMIA, JUVENILE, DUE TO SELECTIVE INTESTINAL MALABSORPTION OF VITAMIN B12, WITH PROTEINURIA; Megaloblastic anemia due to inborn errors of metabolism; Imerslund-Gräsbeck syndrome. Identifiers: Orphanet 35858, MedGen C4551825, MONDO:0009853.

gnomAD v4.1: 22 of 1,613,320 alleles (0.0014%); highest among the groups gnomAD compares: Middle Eastern, 0.016%; no homozygotes.

Submissions (2):

Labcorp Genetics (formerly Invitae), Labcorp
Classification: Uncertain significance for Imerslund-Grasbeck syndrome. Last evaluated: 2025-03-26. Review status: criteria provided, single submitter. Criteria: Invitae Variant Classification Sherloc (09022015). Collection method: clinical testing. Allele origin: germline.
Comment: This sequence change replaces arginine, which is basic and polar, with glutamine, which is neutral and polar, at codon 520 of the CUBN protein (p.Arg520Gln). This variant is present in population databases (rs145380076, gnomAD 0.02%). This variant has not been reported in the literature in individuals affected with CUBN-related conditions. ClinVar contains an entry for this variant (Variation ID: 3593904). Invitae Evidence Modeling of protein sequence and biophysical properties (such as structural, functional, and spatial information, amino acid conservation, physicochemical variation, residue mobility, and thermodynamic stability) indicates that this missense variant is not expected to disrupt CUBN protein function with a negative predictive value of 80%. Algorithms developed to predict the effect of sequence changes on RNA splicing suggest that this variant may create or strengthen a splice site. In summary, the available evidence is currently insufficient to determine the role of this variant in disease. Therefore, it has been classified as a Variant of Uncertain Significance.

Fulgent Genetics
Classification: Uncertain significance for Imerslund-Grasbeck syndrome type 1; Proteinuria, chronic benign. Last evaluated: 2024-04-15. Review status: criteria provided, single submitter. Criteria: ACMG Guidelines, 2015. Collection method: clinical testing. Allele origin: germline.

NM_001081.4(CUBN):c.1559G>A (p.Arg520Gln)

Gene: CUBN (cubilin; minus strand). Cytogenetic location: 10p13.
Variant type: single nucleotide variant.
Coding change: c.1559G>A on transcript NM_001081.4 (MANE Select); coding-DNA position 1559, G replaced by A.
Protein change: p.Arg520Gln; replaces arginine 520 with glutamine.
Molecular consequence: missense variant.
Genome position (GRCh38, 1-based): chr10:17,100,211, C>T on the plus strand (G>A on the coding strand, the complement: CUBN is on the minus strand). VCF-style: chr10-17100211-C-T. GRCh37 (hg19) VCF-style: chr10-17142210-C-T.
Other names: short protein forms R520Q.
Identifiers: ClinVar variation 3593904 (VCV003593904.3).
Genomic context (GRCh38, chr10:17,100,211, plus strand): 5'-GAGGAATCTCCATCATAAACCTGAAGAAACTCGTGTGGACAGTTGTCCATGGATTCTAAC[C>T]GGAAAAAAGTGAAAGTGATACGCAGGACCTAAAAATACAAAGGCCACATATATTATCTTT-3'
Protein context (NP_001072.2, residues 510-530): KVLRITFTFF[Arg520Gln]LESMDNCPHE